The following is an entry in ClinVar:

NM_001127644.2(GABRA1):c.875C>G (p.Thr292Ser)

Gene: GABRA1 (gamma-aminobutyric acid type A receptor subunit alpha1; plus strand). Cytogenetic location: 5q34.
Variant type: single nucleotide variant.
Coding change: c.875C>G on transcript NM_001127644.2 (MANE Select); coding-DNA position 875, C replaced by G.
Protein change: p.Thr292Ser; replaces threonine 292 with serine.
Molecular consequence: missense variant.
Genome position (GRCh38, 1-based): chr5:161,895,684, C>G. VCF-style: chr5-161895684-C-G. GRCh37 (hg19) VCF-style: chr5-161322690-C-G.
Other names: c.875C>G, p.Thr292Ser (NM_000806.5, NM_001127643.2, NM_001127645.2 and 1 more transcripts); short protein forms T292S.
Identifiers: ClinVar variation 3253005 (VCV003253005.1), dbSNP rs2113464322.

ClinVar aggregate classification (germline): Pathogenic (1 of 4 stars; one submission).

Submission:

GeneDx
Classification: Pathogenic. Last evaluated: 2024-04-27. Review status: criteria provided, single submitter. Criteria: GeneDx Variant Classification Process June 2021. Collection method: clinical testing. Allele origin: germline. Affected: yes.
Comment: Published functional studies demonstrate a damaging effect (PMID: 35269865); Not observed at significant frequency in large population cohorts (gnomAD); In silico analysis supports that this missense variant has a deleterious effect on protein structure/function; This variant is associated with the following publications: (PMID: 35269865, 23934111)